The following is an entry in ClinVar:

ClinVar aggregate classification (germline): Likely pathogenic. Review status: reviewed by expert panel (3 of 4 stars). 9 submissions from 9 submitters: Likely pathogenic (1). 8 of the submissions do not count toward it. Last evaluated 2024-09-11.

Conditions:
GAMT-related disorder. Also called: GAMT-related condition.
Inborn genetic diseases. Identifiers: MedGen C0950123, MeSH D030342.
Cerebral creatine deficiency syndrome. Also called: Creatine deficiency syndromes. Identifiers: Orphanet 79172, MedGen C5244016, MONDO:0000456.
Deficiency of guanidinoacetate methyltransferase (CCDS2). Also called: CEREBRAL CREATINE DEFICIENCY SYNDROME 2; GAMT DEFICIENCY; Guanidinoacetate Methyltransferase (GAMT) Deficiency. Identifiers: Orphanet 382, MedGen C0574080, MONDO:0012999, OMIM 612736.

Submissions (9):

ClinGen Cerebral Creatine Deficiency Syndromes Variant Curation Expert Panel, ClinGen
Classification: Likely pathogenic for Deficiency of guanidinoacetate methyltransferase. Last evaluated: 2024-09-11. Review status: reviewed by expert panel. Criteria: ClinGen CCDS ACMG Specifications GAMT V2.0.0. Collection method: curation. Allele origin: germline. Inheritance: Autosomal recessive inheritance.
Comment: The NM_000156.6:c.507_521dup (p.Cys169_Ser173dup) variant in GAMT is a protein length-changing variant (in-frame insertion) in a non-repeat region (PM4). This variant has been previously reported in at least two unrelated individuals with clinical symptoms consistent with GAMT deficiency. One individual had elevated plasma GAA and was compound heterozygous for the variant and a pathogenic variant in GAMT, c.327G>A (p.Lys109=, ClinVar ID: 21065), with the variants confirmed in trans by parental testing (PMID: 23583224, 29506905; personal communication) (PM3). The other individual had elevated plasma GAA and reduced cerebral creatine by MRS, pretreatment (PP4_Strong), and was compound heterozygous for the variant and c.403G>T (p.Asp135Tyr) (PMID: 19027335, 23660394); however, the allelic data for the latter patient will be used in the classification of p.Asp135Tyr and was not included here to avoid circular logic and thus this individual was not counted towards PM3 evidence. The highest population minor allele frequency in gnomAD v4.1.0. is 0.00001525 (14/1180016 alleles; no homozygotes) in the European non-Finnish population, which is lower than the ClinGen CCDS VCEP’s threshold for PM2_Supporting (<0.0004), meeting this criterion (PM2_Supporting). The computational predictor PROVEAN predicts a damaging effect on GAMT function, but MutationTaster suggested no impact, such that PP3 is not met. There is a ClinVar entry for this variant (Variation ID: 431959). In summary, this variant meets the criteria to be classified as likely pathogenic for GAMT deficiency based on the ACMG/AMP criteria applied, as specified by the ClinGen Cerebral Creatine Deficiency Syndromes Variant Curation Expert Panel (Specifications Version 2.0.0): PP4_Strong, PM3, PM4, PM2_supporting. (Classification approved by the ClinGen Creatine Deficiency Syndromes Variant Curation Expert Panel on September 11, 2024).

Labcorp Genetics (formerly Invitae), Labcorp
Classification: Likely pathogenic for Cerebral creatine deficiency syndrome. Last evaluated: 2025-09-02. Review status: criteria provided, single submitter. Criteria: Invitae Variant Classification Sherloc (09022015). Collection method: clinical testing. Allele origin: germline. Not counted in ClinVar's aggregate classification.
Comment: This variant, c.507_521dup, results in the insertion of 5 amino acid(s) of the GAMT protein (p.Cys169_Ser173dup), but otherwise preserves the integrity of the reading frame. This variant is present in population databases (rs779931959, gnomAD 0.002%). This variant has been observed in individual(s) with creatine deficiency syndromes (PMID: 19027335, 23583224, 23660394). In at least one individual the data is consistent with being in trans (on the opposite chromosome) from a pathogenic variant. ClinVar contains an entry for this variant (Variation ID: 431959). Experimental studies and prediction algorithms are not available or were not evaluated, and the functional significance of this variant is currently unknown. In summary, the currently available evidence indicates that the variant is pathogenic, but additional data are needed to prove that conclusively. Therefore, this variant has been classified as Likely Pathogenic.

Natera, Inc.
Classification: Likely pathogenic for Guanidinoacetate methyltransferase deficiency. Last evaluated: 2024-11-21. Review status: criteria provided, single submitter. Criteria: Natera Variant Classification Schema (03/2026). Collection method: clinical testing. Allele origin: germline. Not counted in ClinVar's aggregate classification.
Comment: The c.507_521dupCAACCTCACCTCCTG variant in GAMT is an in-frame insertion. This variant is rare in the general population with a frequency below the threshold expected for the associated phenotype(s). This variant has been observed in one or more individuals affected with the associated recessive disease, as either homozygous or compound heterozygous with a second variant (PMID: 23660394, 19027335, 23583224). This variant results in a change to the protein length while preserving reading frame, which may disrupt normal protein structure or function. Given the available evidence, this variant is classified as Likely Pathogenic.

PreventionGenetics, part of Exact Sciences
Classification: Likely pathogenic for GAMT-related condition. Last evaluated: 2024-11-19. Review status: criteria provided, single submitter. Criteria: ACMG Guidelines, 2015. Collection method: clinical testing. Allele origin: germline. Not counted in ClinVar's aggregate classification.
Comment: The GAMT c.507_521dup15 variant is predicted to result in an in-frame duplication (p.Cys169_Ser173dup). This variant has been reported in the biallelic state in individuals with guanidinoacetate methyltransferase deficiency (Dhar et al. 2009. PubMed ID: 19027335; Comeaux et al. 2013. PubMed ID: 23660394). This variant is reported in 0.00088% of alleles in individuals of European (Non-Finnish) descent in gnomAD and has been interpreted as likely pathogenic by an expert curation panel in ClinVar. This variant is interpreted as likely pathogenic.

Blueprint Genetics
Classification: Likely pathogenic for GAMT-related disorders. Last evaluated: 2024-09-06. Review status: criteria provided, single submitter. Criteria: ACMG Guidelines, 2015. Collection method: clinical testing. Allele origin: germline. Affected: yes. Observed: 2 variant alleles. Not counted in ClinVar's aggregate classification.

Clinical Genomics Laboratory, Washington University in St. Louis
Classification: Likely pathogenic for Deficiency of guanidinoacetate methyltransferase. Last evaluated: 2024-08-05. Review status: criteria provided, single submitter. Criteria: ACMG Guidelines, 2015. Collection method: clinical testing. Allele origin: germline. Affected: yes. Not counted in ClinVar's aggregate classification.
Comment: The GAMT c.507_521dup (p.Cys169_Ser173dup) variant has been reported in trans with likely pathogenic or pathogenic variants in two unrelated individuals with cerebral creatine deficiency syndrome 2 (Dhar SU et al., PMID: 19027335; El-Gharbawy AH et al., PMID: 23583224). This variant is only observed on 1 out of 250,890 alleles in the general population (gnomAD v.2.1.1), indicating it is not a common variant. This variant is predicted to cause a change in the length of the protein due to an in-frame duplication of five amino acids in a non-repeat region. This variant has been reported in the ClinVar database as a germline pathogenic variant by one submitter, likely pathogenic by four submitters, including an expert panel, and a variant of uncertain significance by one submitter. Based on available information and the ACMG/AMP guidelines for variant interpretation (Richards S et al., PMID: 25741868), this variant is classified as likely pathogenic.

GeneDx
Classification: Likely pathogenic. Last evaluated: 2023-08-11. Review status: criteria provided, single submitter. Criteria: GeneDx Variant Classification Process June 2021. Collection method: clinical testing. Allele origin: germline. Affected: yes. Not counted in ClinVar's aggregate classification.
Comment: In-frame insertion of 5 amino acids in a non-repeat region; Not observed at significant frequency in large population cohorts (gnomAD); This variant is associated with the following publications: (PMID: 19027335, 29506905, 23660394, 23583224)

Broad Center for Mendelian Genomics, Broad Institute of MIT and Harvard
Classification: Pathogenic for Cerebral creatine deficiency syndrome. Last evaluated: 2021-11-02. Review status: criteria provided, single submitter. Criteria: ACMG Guidelines, 2015. Collection method: curation. Allele origin: germline. Inheritance: Autosomal recessive inheritance. Not counted in ClinVar's aggregate classification.
Comment: The p.Cys169_Ser173dup variant in GAMT has been reported in at least 3 individuals with cerebral creatine deficiency syndrome (PMID: 19027335, 23583224, 29506905) and has been identified in 0.0009% (1/113306) of European (non-Finnish) chromosomes by the Genome Aggregation Database (gnomAD; dbSNP ID: rs370421531). Although this variant has been seen in the general population in a heterozygous state, its frequency is low enough to be consistent with a recessive carrier frequency. Of the 3 affected individuals, 1 was a compound heterozygote that carried a pathogenic variant in trans, and 2 were compound heterozygotes that carried a reported pathogenic variant with unknown phase, which increases the likelihood that the p.Cys169_Ser173dup variant is pathogenic (Variation ID: 21065, 573140 PMID: 19027335, 23583224, 29506905). This variant has also been reported in ClinVar (Variation ID#: 431959) and has been interpreted as a VUS by Invitae and Ambry Genetics and likely pathogenic by GeneDx. Computational prediction tools and conservation analyses suggest that this variant may impact the protein, though this information is not predictive enough to determine pathogenicity. This variant is an insertion of 5 amino acids at position 169 and is not predicted to alter the protein reading-frame. The phenotype of individuals compound heterozygous for this variant is highly specific for cerebral creatine deficiency syndrome based on strict biochemical investigations consistent with disease (PMID: 23583224, 29506905, 19027335). In summary, this variant meets criteria to be classified as pathogenic for autosomal recessive cerebral creatine deficiency syndrome. ACMG/AMP Criteria applied: PM3, PM2_supporting, PM4, PP4_strong, PP3 (Richards 2015).

Ambry Genetics
Classification: Uncertain significance for Inborn genetic diseases. Last evaluated: 2017-05-31. Review status: criteria provided, single submitter. Criteria: Ambry Variant Classification Scheme 2023. Collection method: clinical testing. Allele origin: germline. Not counted in ClinVar's aggregate classification.
Comment: The c.507_521dup15 variant (also known as p.C169_S173dup), located in coding exon 5 of the GAMT gene, results from an in-frame duplication of 15 nucleotides at nucleotide positions 507 to 521. This results in the duplication of 5 extra residues (CNLTS) between codons 169 and 173. These amino acid positions are highly conserved in available vertebrate species. This variant has been described in a patient with GAMT deficiency who was also heterozygous for a recurrent splice site alteration; however, the phase of the alterations was not specified (Dhar SU, et al. Mol. Genet. Metab. 2009 Jan;96(1):38-43). Since supporting evidence is limited at this time, the clinical significance of this alteration remains unclear.

Literature cited by the submitters: PubMed 19027335 (cited by 3 submitters); PubMed 23583224 (cited by 3 submitters); PubMed 23660394 (cited by Labcorp Genetics (formerly Invitae), Labcorp and Natera, Inc.).

NM_000156.6(GAMT):c.507_521dup (p.Cys169_Ser173dup)

Gene: GAMT (guanidinoacetate N-methyltransferase; minus strand). Cytogenetic location: 19p13.3.
Variant type: Duplication.
Coding change: c.507_521dup on transcript NM_000156.6 (MANE Select); coding-DNA positions 507 to 521, 15 bases duplicated (CAACCTCACCTCCTG).
Protein change: p.Cys169_Ser173dup.
Molecular consequence: inframe insertion.
Genome position (GRCh38, 1-based): chr19:1,398,965-1,398,979, CAGGAGGTGAGGTTG duplicated on the plus strand (CAACCTCACCTCCTG on the coding strand, the reverse complement: GAMT is on the minus strand); duplicating any 15 consecutive bases within chr19:1,398,965-1,398,982 gives the same sequence; the c. name uses the placement nearest the transcript's 3' end. VCF-style (leftmost placement, unchanged base first): chr19-1398964-C-CCAGGAGGTGAGGTTG. GRCh37 (hg19) VCF-style: chr19-1398963-C-CCAGGAGGTGAGGTTG.
Other names: NM_000156.6(GAMT):c.507_521dup; p.Cys169_Ser173dup; c.507_521dupCAACCTCACCTCCTG (NM_000156.5, NM_000156.4); c.507_521dup (NM_000156.4); c.507_521dup, p.Cys169_Ser173dup (NM_138924.3); c.507_521dup15 (NM_000156.5).
Identifiers: ClinVar variation 431959 (VCV000431959.22), dbSNP rs779931959, ClinGen allele CA9043617.